The following is an entry in ClinVar:

ClinVar aggregate classification (germline): Uncertain significance (1 of 4 stars; one submission).

Allele frequency attached by ClinVar (database versions not stated): TOPMed 0.00002; gnomAD 0.00009; 1000 Genomes Project 30x 0.00203; 1000 Genomes Project 0.00280.
gnomAD v4.1: 50 of 1,613,976 alleles (0.0031%); highest among the groups gnomAD compares: African/African-American, 0.041%; 1 homozygote.

Submission:

Labcorp Genetics (formerly Invitae), Labcorp
Classification: Uncertain significance. Last evaluated: 2025-12-23. Review status: criteria provided, single submitter. Criteria: Invitae Variant Classification Sherloc (09022015). Collection method: clinical testing. Allele origin: germline.
Comment: This sequence change replaces phenylalanine, which is neutral and non-polar, with serine, which is neutral and polar, at codon 902 of the EFL1 protein (p.Phe902Ser). This variant is present in population databases (rs146225363, gnomAD 0.08%). This variant has not been reported in the literature in individuals affected with EFL1-related conditions. ClinVar contains an entry for this variant (Variation ID: 2176860). Invitae Evidence Modeling of protein sequence and biophysical properties (such as structural, functional, and spatial information, amino acid conservation, physicochemical variation, residue mobility, and thermodynamic stability) indicates that this missense variant is not expected to disrupt EFL1 protein function with a negative predictive value of 80%. In summary, the available evidence is currently insufficient to determine the role of this variant in disease. Therefore, it has been classified as a Variant of Uncertain Significance.

NM_024580.6(EFL1):c.2705T>C (p.Phe902Ser)

Gene: EFL1 (elongation factor like GTPase 1; minus strand). Cytogenetic location: 15q25.2.
Variant type: single nucleotide variant.
Coding change: c.2705T>C on transcript NM_024580.6 (MANE Select); coding-DNA position 2705, T replaced by C.
Protein change: p.Phe902Ser; replaces phenylalanine 902 with serine.
Molecular consequence: missense variant. On other transcripts: non-coding transcript variant (1).
Genome position (GRCh38, 1-based): chr15:82,151,749, A>G on the plus strand (T>C on the coding strand, the complement: EFL1 is on the minus strand). VCF-style: chr15-82151749-A-G. GRCh37 (hg19) VCF-style: chr15-82444090-A-G.
Other names: c.2552T>C, p.Phe851Ser (NM_001040610.3); c.1916T>C, p.Phe639Ser (NM_001322844.2); c.2705T>C, p.Phe902Ser (NM_001322845.2); short protein forms F639S, F902S, F851S.
Identifiers: ClinVar variation 2176860 (VCV002176860.4), dbSNP rs146225363, ClinGen allele CA7697709.